The following is an entry in ClinVar:

NM_002282.3(KRT83):c.1362G>A (p.Thr454=)

Gene: KRT83 (keratin 83; minus strand). Cytogenetic location: 12q13.13.
Variant type: single nucleotide variant.
Coding change: c.1362G>A on transcript NM_002282.3 (MANE Select); coding-DNA position 1362, G replaced by A.
Protein change: p.Thr454=; no amino-acid change (threonine 454 retained).
Molecular consequence: synonymous variant.
Genome position (GRCh38, 1-based): chr12:52,314,751, C>T on the plus strand (G>A on the coding strand, the complement: KRT83 is on the minus strand). VCF-style: chr12-52314751-C-T. GRCh37 (hg19) VCF-style: chr12-52708535-C-T.
Identifiers: ClinVar variation 3047656 (VCV003047656.3), dbSNP rs375345580, ClinGen allele CA6577265.

ClinVar aggregate classification (germline): Likely benign. Review status: criteria provided, single submitter (1 of 4 stars). 2 submissions from 2 submitters: Likely benign (1). 1 of the submissions does not count toward it. Last evaluated 2025-08-30.

Conditions:
KRT83-related disorder. Also called: KRT83-related condition.

Allele frequency attached by ClinVar (database versions not stated): TOPMed 0.00004; ESP Exome Variant Server 0.00008; gnomAD 0.00009; ExAC 0.00013.

Submissions (2):

Labcorp Genetics (formerly Invitae), Labcorp
Classification: Likely benign. Last evaluated: 2025-08-30. Review status: criteria provided, single submitter. Criteria: Invitae Variant Classification Sherloc (09022015). Collection method: clinical testing. Allele origin: germline.

PreventionGenetics, part of Exact Sciences
Classification: Likely benign for KRT83-related condition. Last evaluated: 2020-03-27. Review status: no assertion criteria provided. Collection method: clinical testing. Allele origin: germline. Not counted in ClinVar's aggregate classification.
Comment: This variant is classified as likely benign based on ACMG/AMP sequence variant interpretation guidelines (Richards et al. 2015 PMID: 25741868, with internal and published modifications).